The following is an entry in ClinVar:

NM_000478.6(ALPL):c.70_74del (p.Lys24fs)

Gene: ALPL (alkaline phosphatase, biomineralization associated; plus strand). Cytogenetic location: 1p36.12.
Variant type: Deletion.
Coding change: c.70_74del on transcript NM_000478.6 (MANE Select); coding-DNA positions 70 to 74, 5 bases deleted (AAAGA; older notation c.70_74delAAAGA).
Protein change: p.Lys24fs; shifts the reading frame from lysine 24.
Molecular consequence: frameshift variant. On other transcripts: 5 prime UTR variant (2).
Genome position (GRCh38, 1-based): chr1:21,560,634-21,560,638, AAAGA deleted. VCF-style (leftmost placement, unchanged base first): chr1-21560633-GAAAGA-G. GRCh37 (hg19) VCF-style: chr1-21887126-GAAAGA-G.
Other names: c.-96_-92del (NM_001127501.4); c.-46_-42del (NM_001177520.3); c.70_74del, p.Lys24fs (NM_001369803.2, NM_001369804.2, NM_001369805.2); short protein forms K24fs.
Identifiers: ClinVar variation 4849562 (VCV004849562.1).

ClinVar aggregate classification (germline): Likely pathogenic (1 of 4 stars; one submission).

Conditions:
Infantile hypophosphatasia. Identifiers: Orphanet 247651, Orphanet 436, MedGen C0268412, MONDO:1010169, OMIM 241500, MONDO:0009427.

Submission:

Medical Molecular Genetics, National Research Centre
Classification: Likely pathogenic for Infantile hypophosphatasia. Last evaluated: 2026-05-01. Review status: criteria provided, single submitter. Criteria: ACMG Guidelines, 2015. Collection method: research. Allele origin: inherited. Affected: yes.
Comment: The frameshift variant c.70_74del (p.Lys24ProfsTer27) in the ALPL gene is predicted to result in a premature termination codon shortly after the start of the protein, leading to either nonsense-mediated mRNA decay or production of a severely truncated, nonfunctional protein. Loss-of-function is a well-established disease mechanism for ALPL-related hypophosphatasia; therefore, this variant meets criteria for PVS1 (very strong evidence of pathogenicity). The variant is absent or present at extremely low frequency in population databases such as gnomAD, supporting PM2. Based on the available evidence, this variant is classified as Likely Pathogenic according to ACMG/AMP guidelines.